The following is an entry in ClinVar:

NM_001378454.1(ALMS1):c.5953T>A (p.Ser1985Thr)

Gene: ALMS1 (ALMS1 centrosome and basal body associated protein; plus strand). Cytogenetic location: 2p13.1.
Variant type: single nucleotide variant.
Coding change: c.5953T>A on transcript NM_001378454.1 (MANE Select); coding-DNA position 5953, T replaced by A.
Protein change: p.Ser1985Thr; replaces serine 1985 with threonine.
Molecular consequence: missense variant.
Genome position (GRCh38, 1-based): chr2:73,452,480, T>A. VCF-style: chr2-73452480-T-A. GRCh37 (hg19) VCF-style: chr2-73679607-T-A.
Other names: c.5956T>A, p.Ser1986Thr (NM_015120.4); short protein forms S1985T, S1986T.
Identifiers: ClinVar variation 5001640 (VCV005001640.1).

ClinVar aggregate classification (germline): Uncertain significance (1 of 4 stars; one submission).

Conditions:
ALMS1-related disorder. Also called: ALMS1-related condition.

Submission:

PreventionGenetics, part of Exact Sciences
Classification: Uncertain significance for ALMS1-related condition. Last evaluated: 2025-07-16. Review status: criteria provided, single submitter. Criteria: ACMG Guidelines, 2015. Collection method: clinical testing. Allele origin: germline.
Comment: The ALMS1 c.5956T>A variant is predicted to result in the amino acid substitution p.Ser1986Thr. To our knowledge, this variant has not been reported in the literature or in a large population database (gnomAD), indicating this variant is rare. At this time, the clinical significance of this variant is uncertain due to the absence of conclusive functional and genetic evidence.